The following is an entry in ClinVar:

ClinVar aggregate classification (germline): Uncertain significance. Review status: criteria provided, multiple submitters, no conflicts (2 of 4 stars). 8 submissions from 8 submitters: Uncertain significance (7). 1 of the submissions does not count toward it. Last evaluated 2024-12-10.

Conditions:
CFTR-related disorder (CFTR-RD). Also called: CFTR-related disorders; CFTR-related condition. Identifiers: MedGen C5924204, MONDO:7770004.
Congenital bilateral aplasia of vas deferens from CFTR mutation (CBAVD). Identifiers: Orphanet 48, MedGen C0403814, MONDO:0010178, OMIM 277180. Disease mechanism: loss of function.
Bronchiectasis with or without elevated sweat chloride 1 (BESC1). Also called: Cystic Fibrosis-Like Syndrome. Identifiers: Orphanet 60033, MedGen C2749757, MONDO:0008887, OMIM 211400.
Hereditary pancreatitis (PCTT). Also called: PRSS1-Related Hereditary Pancreatitis; Hereditary chronic pancreatitis. Identifiers: Orphanet 676, MedGen C0238339, MONDO:0008185, OMIM 167800.
Cystic fibrosis (CF). Also called: MUCOVISCIDOSIS. Identifiers: Orphanet 586, MedGen C0010674, MONDO:0009061, OMIM 219700. Disease mechanism: loss of function.

Allele frequency attached by ClinVar (database versions not stated): TOPMed 0.00002; ESP Exome Variant Server 0.00008.
gnomAD v4.1: 24 of 1,613,426 alleles (0.0015%); highest among the groups gnomAD compares: Non-Finnish European, 0.002%; no homozygotes.

Submissions (8):

ARUP Laboratories, Molecular Genetics and Genomics, ARUP Laboratories
Classification: Uncertain significance. Last evaluated: 2024-12-10. Review status: criteria provided, single submitter. Criteria: ARUP Molecular Germline Variant Investigation Process 2024. Collection method: clinical testing. Allele origin: germline.
Comment: The CFTR c.3256A>T; p.Thr1086Ser variant (rs373043500), to our knowledge, is not reported in the medical literature but is reported in ClinVar (Variation ID: 411123). This variant is found in the general population with an overall allele frequency of 0.001% (3/251,126 alleles) in the Genome Aggregation Database (v2.1.1). Computational analyses are uncertain whether this variant is neutral or deleterious (REVEL: 0.671). Due to limited information, the clinical significance of this variant is uncertain at this time.

Ambry Genetics
Classification: Uncertain significance for Cystic fibrosis. Last evaluated: 2023-11-17. Review status: criteria provided, single submitter. Criteria: Ambry Variant Classification Scheme 2023. Collection method: clinical testing. Allele origin: germline.
Comment: The p.T1086S variant (also known as c.3256A>T), located in coding exon 20 of the CFTR gene, results from an A to T substitution at nucleotide position 3256. The threonine at codon 1086 is replaced by serine, an amino acid with similar properties. This amino acid position is highly conserved in available vertebrate species. In addition, the in silico prediction for this alteration is inconclusive. Since supporting evidence is limited at this time, the clinical significance of this variant remains unclear.

Labcorp Genetics (formerly Invitae), Labcorp
Classification: Uncertain significance for Cystic fibrosis. Last evaluated: 2022-07-15. Review status: criteria provided, single submitter. Criteria: Invitae Variant Classification Sherloc (09022015). Collection method: clinical testing. Allele origin: germline.
Comment: This sequence change replaces threonine, which is neutral and polar, with serine, which is neutral and polar, at codon 1086 of the CFTR protein (p.Thr1086Ser). This variant is present in population databases (rs373043500, gnomAD 0.007%). This variant has not been reported in the literature in individuals affected with CFTR-related conditions. ClinVar contains an entry for this variant (Variation ID: 411123). Algorithms developed to predict the effect of missense changes on protein structure and function (SIFT, PolyPhen-2, Align-GVGD) all suggest that this variant is likely to be tolerated. In summary, the available evidence is currently insufficient to determine the role of this variant in disease. Therefore, it has been classified as a Variant of Uncertain Significance.

Fulgent Genetics
Classification: Uncertain significance for Hereditary pancreatitis; Bronchiectasis with or without elevated sweat chloride 1; Cystic fibrosis; Congenital bilateral aplasia of vas deferens from CFTR mutation. Last evaluated: 2022-04-11. Review status: criteria provided, single submitter. Criteria: ACMG Guidelines, 2015. Collection method: clinical testing. Allele origin: unknown.

Mayo Clinic Laboratories, Mayo Clinic
Classification: Uncertain significance. Last evaluated: 2022-02-16. Review status: criteria provided, single submitter. Criteria: ACMG Guidelines, 2015. Collection method: clinical testing. Allele origin: germline. Observed: 1 variant allele.
Comment: PM2, PM3_supporting

Genome-Nilou Lab
Classification: Uncertain significance for Cystic fibrosis. Last evaluated: 2021-09-05. Review status: criteria provided, single submitter. Criteria: ACMG Guidelines, 2015. Collection method: clinical testing. Allele origin: germline. Affected: no.

Eurofins Ntd Llc (ga)
Classification: Uncertain significance. Last evaluated: 2017-06-12. Review status: criteria provided, single submitter. Criteria: EGL Classification Definitions 2015. Collection method: clinical testing. Allele origin: germline. Observed: 1 variant allele, 1 heterozygote.

Natera, Inc.
Classification: Uncertain significance for CFTR-related disorders. Last evaluated: 2018-10-12. Review status: no assertion criteria provided. Collection method: clinical testing. Allele origin: germline. Not counted in ClinVar's aggregate classification.

NM_000492.4(CFTR):c.3256A>T (p.Thr1086Ser)

Genes: CFTR (CF transmembrane conductance regulator; plus strand), CFTR-AS2 (CFTR antisense RNA 2; minus strand), LOC111674472 (DNase I hypersensitive sites in introns 16 and 17a of CFTR; plus strand). Cytogenetic location: 7q31.2.
Variant type: single nucleotide variant.
Coding change: c.3256A>T on transcript NM_000492.4 (MANE Select); coding-DNA position 3256, A replaced by T.
Protein change: p.Thr1086Ser; replaces threonine 1086 with serine.
Molecular consequence: missense variant.
Genome position (GRCh38, 1-based): chr7:117,611,697, A>T. VCF-style: chr7-117611697-A-T. GRCh37 (hg19) VCF-style: chr7-117251751-A-T.
Other names: p.Thr1086Ser; short protein forms T1086S.
Identifiers: ClinVar variation 411123 (VCV000411123.17), dbSNP rs373043500, ClinGen allele CA16612278.
Genomic context (GRCh38, chr7:117,611,697, plus strand): 5'-CGTGCCTTCGGACGGCAGCCTTACTTTGAAACTCTGTTCCACAAAGCTCTGAATTTACAT[A>T]CTGCCAACTGGTTCTTGTACCTGTCAACACTGCGCTGGTTCCAAATGAGAATAGAAATGA-3'
Protein context (NP_000483.3, residues 1076-1096): TLFHKALNLH[Thr1086Ser]ANWFLYLSTL